The following is an entry in ClinVar:

NM_001040142.2(SCN2A):c.3529C>T (p.Arg1177Trp)

Gene: SCN2A (sodium voltage-gated channel alpha subunit 2; plus strand). Cytogenetic location: 2q24.3.
Variant type: single nucleotide variant.
Coding change: c.3529C>T on transcript NM_001040142.2 (MANE Select); coding-DNA position 3529, C replaced by T.
Protein change: p.Arg1177Trp; replaces arginine 1177 with tryptophan.
Molecular consequence: missense variant.
Genome position (GRCh38, 1-based): chr2:165,367,225, C>T. VCF-style: chr2-165367225-C-T. GRCh37 (hg19) VCF-style: chr2-166223735-C-T.
Other names: c.3529C>T, p.Arg1177Trp (NM_001040143.2, NM_001371246.1, NM_001371247.1 and 1 more transcripts); short protein forms R1177W.
Identifiers: ClinVar variation 464907 (VCV000464907.21), dbSNP rs115231482, ClinGen allele CA1940130.

ClinVar aggregate classification (germline): Conflicting classifications of pathogenicity. Review status: criteria provided, conflicting classifications (1 of 4 stars). 8 submissions from 8 submitters: Uncertain significance (6); Likely benign (2). Last evaluated 2025-09-30.

Conditions:
Genetic developmental and epileptic encephalopathy. Identifiers: MedGen CN379639, MONDO:0100062.
SCN2A-related disorder. Also called: SCN2A-related condition; SCN2A-related disorders. Identifiers: MedGen CN382226, MONDO:1060245.
Developmental and epileptic encephalopathy, 11 (DEE11). Also called: Early infantile epileptic encephalopathy 11. Identifiers: Orphanet 1934, MedGen C3150987, MONDO:0013388, OMIM 613721.
Seizures, benign familial infantile, 3 (BFIS3). Also called: Familial neonatal seizures; CONVULSIONS, BENIGN FAMILIAL INFANTILE, 3. Identifiers: Orphanet 140927, Orphanet 306, MedGen C1843140, MONDO:0011904, OMIM 607745.
Episodic ataxia, type 9. Identifiers: MedGen C5394520, MONDO:0030064, OMIM 618924.
Inborn genetic diseases. Identifiers: MedGen C0950123, MeSH D030342.

Allele frequency attached by ClinVar (database versions not stated): ExAC 0.00002; gnomAD exomes 0.00003 and 0.00011; gnomAD 0.00006 and 0.00007; TOPMed 0.00018; 1000 Genomes Project 0.00020; 1000 Genomes Project 30x 0.00031.
gnomAD v4.1: 168 of 1,613,930 alleles (0.01%); highest among the groups gnomAD compares: Admixed American, 0.018%; no homozygotes.

Submissions (8):

Labcorp Genetics (formerly Invitae), Labcorp
Classification: Uncertain significance for Seizures, benign familial infantile, 3; Developmental and epileptic encephalopathy, 11. Last evaluated: 2025-09-30. Review status: criteria provided, single submitter. Criteria: Invitae Variant Classification Sherloc (09022015). Collection method: clinical testing. Allele origin: germline.
Comment: This sequence change replaces arginine, which is basic and polar, with tryptophan, which is neutral and slightly polar, at codon 1177 of the SCN2A protein (p.Arg1177Trp). This variant is present in population databases (rs115231482, gnomAD 0.005%). This missense change has been observed in individuals with clinical features of SCN2A-related conditions (PMID: 33004838; internal data). ClinVar contains an entry for this variant (Variation ID: 464907). Invitae Evidence Modeling of protein sequence and biophysical properties (such as structural, functional, and spatial information, amino acid conservation, physicochemical variation, residue mobility, and thermodynamic stability) has been performed for this missense variant. However, the output from this modeling did not meet the statistical confidence thresholds required to predict the impact of this variant on SCN2A protein function. This variant disrupts the p.Arg1177 amino acid residue in SCN2A. Other variant(s) that disrupt this residue have been observed in individuals with SCN2A-related conditions (internal data), which suggests that this may be a clinically significant amino acid residue. In summary, the available evidence is currently insufficient to determine the role of this variant in disease. Therefore, it has been classified as a Variant of Uncertain Significance.

Women's Health and Genetics/Laboratory Corporation of America, LabCorp
Classification: Uncertain significance. Last evaluated: 2025-07-24. Review status: criteria provided, single submitter. Criteria: LabCorp Variant Classification Summary - May 2015. Collection method: clinical testing. Allele origin: germline.
Comment: Variant summary: SCN2A c.3529C>T (p.Arg1177Trp) results in a non-conservative amino acid change in the encoded protein sequence. Algorithms developed to predict the effect of missense changes on protein structure and function are either unavailable or do not agree on the potential impact of this missense change. The variant allele was found at a frequency of 3.2e-05 in 251246 control chromosomes. The available data on variant occurrences in the general population are insufficient to allow any conclusion about variant significance. c.3529C>T has been observed in individual(s) affected with a neurodevelopmental disorder (Wang_2020). These report(s) do not provide unequivocal conclusions about association of the variant with Early Infantile Epileptic Encephalopathy 11. To our knowledge, no experimental evidence demonstrating an impact on protein function has been reported. The following publication have been ascertained in the context of this evaluation (PMID: 33004838). ClinVar contains an entry for this variant (Variation ID: 464907). Based on the evidence outlined above, the variant was classified as uncertain significance.

PreventionGenetics, part of Exact Sciences
Classification: Uncertain significance for SCN2A-related condition. Last evaluated: 2025-05-16. Review status: criteria provided, single submitter. Criteria: ACMG Guidelines, 2015. Collection method: clinical testing. Allele origin: germline.
Comment: The SCN2A c.3529C>T variant is predicted to result in the amino acid substitution p.Arg1177Trp. To our knowledge, this variant has not been reported in the literature. This variant is reported in 0.0054% of alleles in individuals of European (Non-Finnish) descent in gnomAD. At this time, the clinical significance of this variant is uncertain due to the absence of conclusive functional and genetic evidence.

Ambry Genetics
Classification: Likely benign for Inborn genetic diseases. Last evaluated: 2021-10-05. Review status: criteria provided, single submitter. Criteria: Ambry Variant Classification Scheme 2023. Collection method: clinical testing. Allele origin: germline.

Blueprint Genetics
Classification: Likely benign. Last evaluated: 2021-08-10. Review status: criteria provided, single submitter. Criteria: ACMG Guidelines, 2015. Collection method: clinical testing. Allele origin: germline.

New York Genome Center
Classification: Uncertain significance for Developmental and epileptic encephalopathy, 11; Seizures, benign familial infantile, 3; Episodic ataxia, type 9. Last evaluated: 2021-05-24. Review status: criteria provided, single submitter. Criteria: NYGC Assertion Criteria 2020. Collection method: clinical testing. Allele origin: inherited. Observed: 2 heterozygotes. Clinical features observed: Seizure (HP:0001250), Global developmental delay (HP:0001263), Micropenis (HP:0000054), Microcephaly (HP:0000252), Decreased circulating IgG concentration (HP:0004315), Velopharyngeal insufficiency (HP:0000220), Coombs-positive hemolytic anemia (HP:0004844), Gonadoblastoma (HP:0000150), Recurrent pneumonia (HP:0006532), Giant cell hepatitis (HP:0200084), Obstructive sleep apnea syndrome (HP:0002870), Thrombocytopenia (HP:0001873). Study: CSER-NYCKidSeq.

GeneDx
Classification: Uncertain significance. Last evaluated: 2020-06-18. Review status: criteria provided, single submitter. Criteria: GeneDx Variant Classification Process June 2021. Collection method: clinical testing. Allele origin: germline. Affected: yes.
Comment: Missense variants in this gene are often considered pathogenic (Stenson et al., 2014) In silico analysis supports that this missense variant has a deleterious effect on protein structure/function This substitution is predicted to be in the cytoplasmic loop between the second and third homologous domains Observed in 0.0032% (9/282646 alleles) in large population cohorts (Lek et al., 2016) Observed in heterozygous state in multiple unrelated healthy adult individuals tested at GeneDx Has not been previously published as pathogenic or benign to our knowledge

Cambridge Genomics Laboratory, East Genomic Laboratory Hub, NHS Genomic Medicine Service
Classification: Uncertain significance for Genetic developmental and epileptic encephalopathy. Last evaluated: 2019-11-08. Review status: criteria provided, single submitter. Criteria: ACGS Best Practice Guidelines for Variant Classification in Rare Disease 2020. Collection method: clinical testing. Allele origin: germline. Affected: yes. Observed: 1 variant allele.

Literature cited by the submitters: PubMed 33004838 (cited by Labcorp Genetics (formerly Invitae), Labcorp and Women's Health and Genetics/Laboratory Corporation of America, LabCorp).